The following is an entry in ClinVar:

ClinVar aggregate classification (germline): Uncertain significance (1 of 4 stars; one submission).

Conditions:
Inborn genetic diseases. Identifiers: MedGen C0950123, MeSH D030342.

Submission:

Ambry Genetics
Classification: Uncertain significance for Inborn genetic diseases. Last evaluated: 2023-03-31. Review status: criteria provided, single submitter. Criteria: Ambry Variant Classification Scheme 2023. Collection method: clinical testing. Allele origin: germline.
Comment: The p.V249D variant (also known as c.746T>A), located in coding exon 9 of the ERCC2 gene, results from a T to A substitution at nucleotide position 746. The valine at codon 249 is replaced by aspartic acid, an amino acid with highly dissimilar properties. This amino acid position is conserved. In addition, this alteration is predicted to be deleterious by in silico analysis. Since supporting evidence is limited at this time, the clinical significance of this alteration remains unclear.

NM_000400.4(ERCC2):c.746T>A (p.Val249Asp)

Gene: ERCC2 (ERCC excision repair 2, TFIIH core complex helicase subunit; minus strand). Cytogenetic location: 19q13.32.
Variant type: single nucleotide variant.
Coding change: c.746T>A on transcript NM_000400.4 (MANE Select); coding-DNA position 746, T replaced by A.
Protein change: p.Val249Asp; replaces valine 249 with aspartic acid.
Molecular consequence: missense variant.
Genome position (GRCh38, 1-based): chr19:45,364,304, A>T on the plus strand (T>A on the coding strand, the complement: ERCC2 is on the minus strand). VCF-style: chr19-45364304-A-T. GRCh37 (hg19) VCF-style: chr19-45867562-A-T.
Other names: c.674T>A, p.Val225Asp (NM_001130867.2); short protein forms V249D, V225D.
Identifiers: ClinVar variation 2562298 (VCV002562298.2), dbSNP rs2514031169, ClinGen allele CA406374188.
Genomic context (GRCh38, chr19:45,364,304, plus strand): 5'-GTCTTCTGCAGGGTCTCCAGGTTGCCCTGGCACCGGTCAAGGGTCCGGCGGGTGAGGTTG[A>T]CGCTCATGGAGTCGATGCAGACGTTGTCTGGAGAAGGGGGAGAGAGCCGGCTCAGGCAGG-3'
Protein context (NP_000391.1, residues 239-259): IDNVCIDSMS[Val249Asp]NLTRRTLDRC